The following is an entry in ClinVar:

NM_000891.3(KCNJ2):c.884T>C (p.Val295Ala)

Gene: KCNJ2 (potassium inwardly rectifying channel subfamily J member 2; plus strand). Cytogenetic location: 17q24.3.
Variant type: single nucleotide variant.
Coding change: c.884T>C on transcript NM_000891.3 (MANE Select); coding-DNA position 884, T replaced by C.
Protein change: p.Val295Ala; replaces valine 295 with alanine.
Molecular consequence: missense variant.
Genome position (GRCh38, 1-based): chr17:70,175,923, T>C. VCF-style: chr17-70175923-T-C. GRCh37 (hg19) VCF-style: chr17-68172064-T-C.
Other names: short protein forms V295A.
Identifiers: ClinVar variation 191474 (VCV000191474.3), dbSNP rs201162707, ClinGen allele CA236759.

ClinVar aggregate classification (germline): Uncertain significance. Review status: criteria provided, multiple submitters, no conflicts (2 of 4 stars). 3 submissions from 3 submitters: Uncertain significance (3). Last evaluated 2022-08-11.

Conditions:
Andersen Tawil syndrome (LQT7). Also called: PERIODIC PARALYSIS, POTASSIUM-SENSITIVE CARDIODYSRHYTHMIC TYPE; LONG QT SYNDROME 7; ANDERSEN CARDIODYSRHYTHMIC PERIODIC PARALYSIS; Andersen Syndrome; Potassium-sensitive periodic paralysis, ventricular ectopy, and dysmorphic features. Identifiers: Orphanet 37553, MedGen C1563715, MONDO:0008222, OMIM 170390.
Atrial fibrillation, familial, 9 (ATFB9). Identifiers: MedGen C3151431, MONDO:0013513, OMIM 613980.
Short QT syndrome type 3. Identifiers: Orphanet 51083, MedGen C1865018, MONDO:0012314, OMIM 609622.

Submissions (3):

GeneDx
Classification: Uncertain significance. Last evaluated: 2022-08-11. Review status: criteria provided, single submitter. Criteria: GeneDx Variant Classification Process June 2021. Collection method: clinical testing. Allele origin: germline. Affected: yes.
Comment: Not observed at significant frequency in large population cohorts (gnomAD); In silico analysis supports that this missense variant has a deleterious effect on protein structure/function; Has not been previously published as pathogenic or benign to our knowledge; This variant is associated with the following publications: (PMID: Verma2015[Computational])

Fulgent Genetics
Classification: Uncertain significance for Andersen Tawil syndrome; Short QT syndrome type 3; Atrial fibrillation, familial, 9. Last evaluated: 2022-04-07. Review status: criteria provided, single submitter. Criteria: ACMG Guidelines, 2015. Collection method: clinical testing. Allele origin: unknown.

Biesecker Lab/Clinical Genomics Section, National Institutes of Health
Classification: Uncertain significance. Last evaluated: 2013-06-24. Review status: criteria provided, single submitter. Criteria: Ng et al. (Circ Cardiovasc Genet. 2013). Collection method: research. Allele origin: unknown. Observed: 1 variant allele. Study: ClinSeq.
Comment: The study set was not selected for affection status in relation to any cancer. Pathogenicity categories were based on literature curation. See Pubmed ID:23861362 for details.

Medical sequencing